The following is an entry in ClinVar:

NM_001367479.1(DNAH14):c.8745T>G (p.Tyr2915Ter)

Gene: DNAH14 (dynein axonemal heavy chain 14; plus strand). Cytogenetic location: 1q42.12.
Variant type: single nucleotide variant.
Coding change: c.8745T>G on transcript NM_001367479.1 (MANE Select); coding-DNA position 8745, T replaced by G.
Protein change: p.Tyr2915Ter; replaces tyrosine 2915 with a stop codon.
Molecular consequence: nonsense.
Genome position (GRCh38, 1-based): chr1:225,303,269, T>G. VCF-style: chr1-225303269-T-G. GRCh37 (hg19) VCF-style: chr1-225490971-T-G.
Other names: short protein forms Y2915*.
Identifiers: ClinVar variation 4848063 (VCV004848063.1).

ClinVar aggregate classification (germline): Uncertain significance (1 of 4 stars; one submission).

Submission:

Women's Health and Genetics/Laboratory Corporation of America, LabCorp
Classification: Uncertain significance. Last evaluated: 2026-02-03. Review status: criteria provided, single submitter. Criteria: LabCorp Variant Classification Summary - May 2015. Collection method: clinical testing. Allele origin: germline.
Comment: Variant summary: DNAH14 c.8745T>G (p.Tyr2915X) results in a premature termination codon, predicted to cause a truncation of the encoded protein or absence of the protein due to nonsense mediated decay, however current evidence is not sufficient to establish loss of function as a mechanism for disease. The variant was absent in 157054 control chromosomes. The available data on variant occurrences in the general population are insufficient to allow any conclusion about variant significance. To our knowledge, no occurrence of c.8745T>G in individuals affected with DNAH14-related conditions and no experimental evidence demonstrating its impact on protein function have been reported. No submitters have cited clinical-significance assessments for this variant to ClinVar. Based on the evidence outlined above, the variant was classified as uncertain significance.